The following is an entry in ClinVar:

ClinVar aggregate classification (germline): Uncertain significance (1 of 4 stars; one submission).

gnomAD v4.1: 8 of 1,614,036 alleles (0.0005%); highest among the groups gnomAD compares: South Asian, 0.0011%; no homozygotes.

Submission:

Labcorp Genetics (formerly Invitae), Labcorp
Classification: Uncertain significance. Last evaluated: 2024-07-22. Review status: criteria provided, single submitter. Criteria: Invitae Variant Classification Sherloc (09022015). Collection method: clinical testing. Allele origin: germline.
Comment: This sequence change replaces glutamic acid, which is acidic and polar, with glutamine, which is neutral and polar, at codon 285 of the GNPTG protein (p.Glu285Gln). This variant is present in population databases (no rsID available, gnomAD 0.0009%). This variant has not been reported in the literature in individuals affected with GNPTG-related conditions. ClinVar contains an entry for this variant (Variation ID: 2064659). Advanced modeling of protein sequence and biophysical properties (such as structural, functional, and spatial information, amino acid conservation, physicochemical variation, residue mobility, and thermodynamic stability) performed at Invitae indicates that this missense variant is not expected to disrupt GNPTG protein function with a negative predictive value of 80%. In summary, the available evidence is currently insufficient to determine the role of this variant in disease. Therefore, it has been classified as a Variant of Uncertain Significance.

NM_032520.5(GNPTG):c.853G>C (p.Glu285Gln)

Gene: GNPTG (N-acetylglucosamine-1-phosphate transferase subunit gamma; plus strand). Cytogenetic location: 16p13.3.
Variant type: single nucleotide variant.
Coding change: c.853G>C on transcript NM_032520.5 (MANE Select); coding-DNA position 853, G replaced by C.
Protein change: p.Glu285Gln; replaces glutamic acid 285 with glutamine.
Molecular consequence: missense variant.
Genome position (GRCh38, 1-based): chr16:1,363,026, G>C. VCF-style: chr16-1363026-G-C. GRCh37 (hg19) VCF-style: chr16-1413027-G-C.
Other names: short protein forms E285Q.
Identifiers: ClinVar variation 2064659 (VCV002064659.3), dbSNP rs772723751, ClinGen allele CA394188901.
Genomic context (GRCh38, chr16:1,363,026, plus strand): 5'-GGTGAGGACTGGCCACCTGGTGTTTTGGCAGAAACTTCCAACTTGGAGCACTTGGGCCAC[G>C]AGACGCCCAGAGCCAAGTCTCCAGAGCAGCTGCGGGGTGACCCAGGACTGCGTGGGAGTT-3'
Protein context (NP_115909.1, residues 275-295): ETSNLEHLGH[Glu285Gln]TPRAKSPEQL